The following is an entry in ClinVar:

NM_201384.3(PLEC):c.1762G>C (p.Gly588Arg)

Gene: PLEC (plectin; minus strand). Cytogenetic location: 8q24.3.
Variant type: single nucleotide variant.
Coding change: c.1762G>C on transcript NM_201384.3 (MANE Select); coding-DNA position 1762, G replaced by C.
Protein change: p.Gly588Arg; replaces glycine 588 with arginine.
Molecular consequence: missense variant.
Genome position (GRCh38, 1-based): chr8:143,932,688, C>G on the plus strand (G>C on the coding strand, the complement: PLEC is on the minus strand). VCF-style: chr8-143932688-C-G. GRCh37 (hg19) VCF-style: chr8-145006856-C-G.
Other names: c.1843G>C (NM_000445.3); c.1843G>C, p.Gly615Arg (NM_000445.5, NM_001410941.1); c.1720G>C, p.Gly574Arg (NM_201378.4); c.1696G>C, p.Gly566Arg (NM_201379.3); c.2173G>C, p.Gly725Arg (NM_201380.4); c.1666G>C, p.Gly556Arg (NM_201381.3); c.1762G>C, p.Gly588Arg (NM_201382.4); c.1774G>C, p.Gly592Arg (NM_201383.3); short protein forms G556R, G588R, G592R, G725R, G615R, G566R, G574R.
Identifiers: ClinVar variation 1925245 (VCV001925245.8), dbSNP rs782357722, ClinGen allele CA4927860.

ClinVar aggregate classification (germline): Uncertain significance. Review status: criteria provided, multiple submitters, no conflicts (2 of 4 stars). 2 submissions from 2 submitters: Uncertain significance (2). Last evaluated 2025-05-14.

Conditions:
Epidermolysis bullosa simplex 5B, with muscular dystrophy (EBS5B). Also called: Epidermolysis bullosa simplex with muscular dystrophy; EPIDERMOLYSIS BULLOSA SIMPLEX AND LIMB-GIRDLE MUSCULAR DYSTROPHY. Identifiers: Orphanet 257, MedGen C2931072, MONDO:0009181, OMIM 226670.
Epidermolysis bullosa simplex, Ogna type (EBS5A). Also called: EPIDERMOLYSIS BULLOSA SIMPLEX 5A, OGNA TYPE; Pidermolysis bullosa simplex 5A, Ogna type. Identifiers: Orphanet 79401, MedGen C0432317, MONDO:0007555, OMIM 131950.
Epidermolysis bullosa simplex 5C, with pyloric atresia (EBS5C). Also called: PLEC-Related Epidermolysis Bullosa with Pyloric Atresia; Epidermolysis bullosa simplex with pyloric atresia; PLEC1-Related Epidermolysis Bullosa with Pyloric Atresia. Identifiers: Orphanet 158684, MedGen C2677349, MONDO:0012807, OMIM 612138.
Epidermolysis bullosa simplex with nail dystrophy (EBS5D). Identifiers: MedGen C4225309, MONDO:0014661, OMIM 616487.
Autosomal recessive limb-girdle muscular dystrophy type 2Q (LGMDR17). Also called: MUSCULAR DYSTROPHY, LIMB-GIRDLE, AUTOSOMAL RECESSIVE 17. Identifiers: Orphanet 254361, MedGen C3150989, MONDO:0013390, OMIM 613723.

Allele frequency attached by ClinVar (database versions not stated): ExAC 0.00001; TOPMed 0.00002; gnomAD 0.00003.
gnomAD v4.1: 39 of 1,608,770 alleles (0.0024%); highest among the groups gnomAD compares: Non-Finnish European, 0.003%; no homozygotes.

Submissions (2):

Labcorp Genetics (formerly Invitae), Labcorp
Classification: Uncertain significance for Autosomal recessive limb-girdle muscular dystrophy type 2Q; Epidermolysis bullosa simplex, Ogna type; Epidermolysis bullosa simplex with nail dystrophy; Epidermolysis bullosa simplex 5C, with pyloric atresia; Epidermolysis bullosa simplex 5B, with muscular dystrophy. Last evaluated: 2025-05-14. Review status: criteria provided, single submitter. Criteria: Invitae Variant Classification Sherloc (09022015). Collection method: clinical testing. Allele origin: germline.
Comment: This sequence change replaces glycine, which is neutral and non-polar, with arginine, which is basic and polar, at codon 615 of the PLEC protein (p.Gly615Arg). This variant is present in population databases (rs782357722, gnomAD 0.006%). This variant has not been reported in the literature in individuals affected with PLEC-related conditions. ClinVar contains an entry for this variant (Variation ID: 1925245). Experimental studies and prediction algorithms are not available or were not evaluated, and the functional significance of this variant is currently unknown. In summary, the available evidence is currently insufficient to determine the role of this variant in disease. Therefore, it has been classified as a Variant of Uncertain Significance.

Revvity Omics, Revvity
Classification: Uncertain significance. Last evaluated: 2019-04-01. Review status: criteria provided, single submitter. Criteria: ACMG Guidelines, 2015. Collection method: clinical testing. Allele origin: germline.